The following is an entry in ClinVar:

ClinVar aggregate classification (germline): Uncertain significance (1 of 4 stars; one submission).

Allele frequency attached by ClinVar (database versions not stated): ExAC 0.00004.
gnomAD v4.1: 130 of 1,613,688 alleles (0.0081%); highest among the groups gnomAD compares: East Asian, 0.027%; no homozygotes.

Submission:

Labcorp Genetics (formerly Invitae), Labcorp
Classification: Uncertain significance. Last evaluated: 2023-12-30. Review status: criteria provided, single submitter. Criteria: Invitae Variant Classification Sherloc (09022015). Collection method: clinical testing. Allele origin: germline.
Comment: This sequence change replaces valine, which is neutral and non-polar, with methionine, which is neutral and non-polar, at codon 717 of the ABCA3 protein (p.Val717Met). This variant is present in population databases (rs757202240, gnomAD 0.009%). This variant has not been reported in the literature in individuals affected with ABCA3-related conditions. Advanced modeling of protein sequence and biophysical properties (such as structural, functional, and spatial information, amino acid conservation, physicochemical variation, residue mobility, and thermodynamic stability) performed at Invitae indicates that this missense variant is not expected to disrupt ABCA3 protein function with a negative predictive value of 80%. In summary, the available evidence is currently insufficient to determine the role of this variant in disease. Therefore, it has been classified as a Variant of Uncertain Significance.

NM_001089.3(ABCA3):c.2149G>A (p.Val717Met)

Gene: ABCA3 (ATP binding cassette subfamily A member 3; minus strand). Cytogenetic location: 16p13.3.
Variant type: single nucleotide variant.
Coding change: c.2149G>A on transcript NM_001089.3 (MANE Select); coding-DNA position 2149, G replaced by A.
Protein change: p.Val717Met; replaces valine 717 with methionine.
Molecular consequence: missense variant.
Genome position (GRCh38, 1-based): chr16:2,297,443, C>T on the plus strand (G>A on the coding strand, the complement: ABCA3 is on the minus strand). VCF-style: chr16-2297443-C-T. GRCh37 (hg19) VCF-style: chr16-2347444-C-T.
Other names: short protein forms V717M.
Identifiers: ClinVar variation 2889249 (VCV002889249.1), dbSNP rs757202240, ClinGen allele CA7840939.